The following is an entry in ClinVar:

ClinVar aggregate classification (germline): Uncertain significance (1 of 4 stars; one submission).

Conditions:
Mitochondrial hypertrophic cardiomyopathy with lactic acidosis due to MTO1 deficiency. Also called: Combined oxidative phosphorylation deficiency 10; CARDIOMYOPATHY, INFANTILE HYPERTROPHIC MITOCHONDRIAL, AND LACTIC ACIDOSIS. Identifiers: Orphanet 314637, MedGen C4749921, MONDO:0013865, OMIM 614702.

Allele frequency attached by ClinVar (database versions not stated): gnomAD exomes below 0.00001; TOPMed below 0.00001.
gnomAD v4.1: 3 of 1,614,140 alleles (0.00019%); highest among the groups gnomAD compares: Non-Finnish European, 0.000085%; no homozygotes.

Submission:

Labcorp Genetics (formerly Invitae), Labcorp
Classification: Uncertain significance for Mitochondrial hypertrophic cardiomyopathy with lactic acidosis due to MTO1 deficiency. Last evaluated: 2022-01-16. Review status: criteria provided, single submitter. Criteria: Invitae Variant Classification Sherloc (09022015). Collection method: clinical testing. Allele origin: germline.
Comment: This sequence change replaces aspartic acid, which is acidic and polar, with tyrosine, which is neutral and polar, at codon 157 of the MTO1 protein (p.Asp157Tyr). This variant is not present in population databases (gnomAD no frequency). This variant has not been reported in the literature in individuals affected with MTO1-related conditions. Algorithms developed to predict the effect of missense changes on protein structure and function are either unavailable or do not agree on the potential impact of this missense change (SIFT: "Deleterious"; PolyPhen-2: "Probably Damaging"; Align-GVGD: "Class C0"). In summary, the available evidence is currently insufficient to determine the role of this variant in disease. Therefore, it has been classified as a Variant of Uncertain Significance.

NM_012123.4(MTO1):c.469G>T (p.Asp157Tyr)

Gene: MTO1 (mitochondrial tRNA translation optimization 1; plus strand). Cytogenetic location: 6q13.
Variant type: single nucleotide variant.
Coding change: c.469G>T on transcript NM_012123.4 (MANE Select); coding-DNA position 469, G replaced by T.
Protein change: p.Asp157Tyr; replaces aspartic acid 157 with tyrosine.
Molecular consequence: missense variant.
Genome position (GRCh38, 1-based): chr6:73,466,540, G>T. VCF-style: chr6-73466540-G-T. GRCh37 (hg19) VCF-style: chr6-74176263-G-T.
Other names: c.469G>T, p.Asp157Tyr (NM_001123226.2, NM_133645.3); short protein forms D157Y.
Identifiers: ClinVar variation 2069862 (VCV002069862.1), dbSNP rs1238225238, ClinGen allele CA364713015.